The following is an entry in ClinVar:

ClinVar aggregate classification (germline): Uncertain significance (1 of 4 stars; one submission).

Submission:

Labcorp Genetics (formerly Invitae), Labcorp
Classification: Uncertain significance. Last evaluated: 2025-05-01. Review status: criteria provided, single submitter. Criteria: Invitae Variant Classification Sherloc (09022015). Collection method: clinical testing. Allele origin: germline.
Comment: This sequence change replaces alanine, which is neutral and non-polar, with glycine, which is neutral and non-polar, at codon 87 of the PSMG2 protein (p.Ala87Gly). This variant is not present in population databases (gnomAD no frequency). This variant has not been reported in the literature in individuals affected with PSMG2-related conditions. An algorithm developed to predict the effect of missense changes on protein structure and function (PolyPhen-2) suggests that this variant is likely to be tolerated. In summary, the available evidence is currently insufficient to determine the role of this variant in disease. Therefore, it has been classified as a Variant of Uncertain Significance.

NM_020232.5(PSMG2):c.260C>G (p.Ala87Gly)

Gene: PSMG2 (proteasome assembly chaperone 2; plus strand). Cytogenetic location: 18p11.21.
Variant type: single nucleotide variant.
Coding change: c.260C>G on transcript NM_020232.5 (MANE Select); coding-DNA position 260, C replaced by G.
Protein change: p.Ala87Gly; replaces alanine 87 with glycine.
Molecular consequence: missense variant.
Genome position (GRCh38, 1-based): chr18:12,712,732, C>G. VCF-style: chr18-12712732-C-G. GRCh37 (hg19) VCF-style: chr18-12712731-C-G.
Other names: c.167C>G, p.Ala56Gly (NM_147163.2); short protein forms A56G, A87G.
Identifiers: ClinVar variation 4716130 (VCV004716130.1).